The following is an entry in ClinVar:

ClinVar aggregate classification (germline): Pathogenic (1 of 4 stars; one submission).

Conditions:
Familial cancer of breast. Also called: BREAST CANCER, FAMILIAL; Hereditary breast cancer; hereditary breast carcinoma. Identifiers: Orphanet 227535, MedGen C0346153, MONDO:0016419, OMIM 114480. Disease mechanism: loss of function.

Submission:

Labcorp Genetics (formerly Invitae), Labcorp
Classification: Pathogenic for Familial cancer of breast. Last evaluated: 2023-06-29. Review status: criteria provided, single submitter. Criteria: Invitae Variant Classification Sherloc (09022015). Collection method: clinical testing. Allele origin: germline.
Comment: This sequence change creates a premature translational stop signal (p.Leu577Alafs*11) in the BARD1 gene. It is expected to result in an absent or disrupted protein product. Loss-of-function variants in BARD1 are known to be pathogenic (PMID: 20077502, 21344236). This variant is not present in population databases (gnomAD no frequency). This variant has not been reported in the literature in individuals affected with BARD1-related conditions. For these reasons, this variant has been classified as Pathogenic.

Literature cited by the submitters: PubMed 20077502; PubMed 21344236.

NM_000465.4(BARD1):c.1728dup (p.Leu577fs)

Gene: BARD1 (BRCA1 associated RING domain 1; minus strand). Cytogenetic location: 2q35.
Variant type: Duplication.
Coding change: c.1728dup on transcript NM_000465.4 (MANE Select); coding-DNA position 1728, one base duplicated (G; older notation c.1728dupG).
Protein change: p.Leu577fs; shifts the reading frame from leucine 577.
Molecular consequence: frameshift variant. On other transcripts: non-coding transcript variant (3), intron variant (1).
Genome position (GRCh38, 1-based): chr2:214,745,804, C duplicated on the plus strand (G on the coding strand, the reverse complement: BARD1 is on the minus strand); the first of 3 consecutive C bases (chr2:214,745,804-214,745,806); duplicating any one gives the same sequence. VCF-style (leftmost placement, unchanged base first): chr2-214745803-G-GC. GRCh37 (hg19) VCF-style: chr2-215610527-G-GC.
Other names: c.1671dup, p.Leu558fs (NM_001282543.2); c.375dup, p.Leu126fs (NM_001282545.2); c.318dup, p.Leu107fs (NM_001282548.2); c.365-15296dup (NM_001282549.2); short protein forms L126fs, L558fs, L107fs, L577fs.
Identifiers: ClinVar variation 2732745 (VCV002732745.3), dbSNP rs2469343074, ClinGen allele CA2697550384.